The following is an entry in ClinVar:

NM_020340.5(ARFGEF3):c.737T>C (p.Met246Thr)

Gene: ARFGEF3 (ARFGEF family member 3; plus strand). Cytogenetic location: 6q23.3.
Variant type: single nucleotide variant.
Coding change: c.737T>C on transcript NM_020340.5 (MANE Select); coding-DNA position 737, T replaced by C.
Protein change: p.Met246Thr; replaces methionine 246 with threonine.
Molecular consequence: missense variant.
Genome position (GRCh38, 1-based): chr6:138,253,951, T>C. VCF-style: chr6-138253951-T-C. GRCh37 (hg19) VCF-style: chr6-138575088-T-C.
Other names: short protein forms M246T.
Identifiers: ClinVar variation 3034386 (VCV003034386.3), dbSNP rs144995312, ClinGen allele CA4020403.

ClinVar aggregate classification (germline): Uncertain significance. Review status: criteria provided, single submitter (1 of 4 stars). 2 submissions from 2 submitters: Uncertain significance (1). 1 of the submissions does not count toward it. Last evaluated 2025-08-11.

Conditions:
ARFGEF3-related disorder. Also called: ARFGEF3-related condition.

Allele frequency attached by ClinVar (database versions not stated): gnomAD 0.00059; 1000 Genomes Project 0.00060; 1000 Genomes Project 30x 0.00062; ESP Exome Variant Server 0.00069; TOPMed 0.00087; ExAC 0.00118.
gnomAD v4.1: 847 of 1,597,224 alleles (0.053%); highest among the groups gnomAD compares: Admixed American, 0.17%; 1 homozygote.

Submissions (2):

Ambry Genetics
Classification: Uncertain significance. Last evaluated: 2025-08-11. Review status: criteria provided, single submitter. Criteria: Ambry Variant Classification Scheme 2023. Collection method: clinical testing. Allele origin: germline.

PreventionGenetics, part of Exact Sciences
Classification: Likely benign for ARFGEF3-related condition. Last evaluated: 2019-06-17. Review status: no assertion criteria provided. Collection method: clinical testing. Allele origin: germline. Not counted in ClinVar's aggregate classification.
Comment: This variant is classified as likely benign based on ACMG/AMP sequence variant interpretation guidelines (Richards et al. 2015 PMID: 25741868, with internal and published modifications).